The following is an entry in ClinVar:

ClinVar aggregate classification (germline): Uncertain significance. Review status: criteria provided, multiple submitters, no conflicts (2 of 4 stars). 2 submissions from 2 submitters: Uncertain significance (2). Last evaluated 2025-05-18.

Conditions:
Inborn genetic diseases. Identifiers: MedGen C0950123, MeSH D030342.
Baller-Gerold syndrome (BGS). Also called: CRANIOSYNOSTOSIS WITH RADIAL DEFECTS. Identifiers: Orphanet 1225, MedGen C0265308, MONDO:0009039, OMIM 218600.

Allele frequency attached by ClinVar (database versions not stated): TOPMed below 0.00001; gnomAD 0.00001.

Submissions (2):

Ambry Genetics
Classification: Uncertain significance for Inborn genetic diseases. Last evaluated: 2025-05-18. Review status: criteria provided, single submitter. Criteria: Ambry Variant Classification Scheme 2023. Collection method: clinical testing. Allele origin: germline.
Comment: The p.V434F variant (also known as c.1300G>T), located in coding exon 7 of the RECQL4 gene, results from a G to T substitution at nucleotide position 1300. The valine at codon 434 is replaced by phenylalanine, an amino acid with highly similar properties. This amino acid position is conserved. In addition, this alteration is predicted to be tolerated by in silico analysis. Based on the available evidence, the clinical significance of this variant remains unclear.

Labcorp Genetics (formerly Invitae), Labcorp
Classification: Uncertain significance for Baller-Gerold syndrome. Last evaluated: 2023-08-20. Review status: criteria provided, single submitter. Criteria: Invitae Variant Classification Sherloc (09022015). Collection method: clinical testing. Allele origin: germline.
Comment: In summary, the available evidence is currently insufficient to determine the role of this variant in disease. Therefore, it has been classified as a Variant of Uncertain Significance. Advanced modeling of protein sequence and biophysical properties (such as structural, functional, and spatial information, amino acid conservation, physicochemical variation, residue mobility, and thermodynamic stability) performed at Invitae indicates that this missense variant is not expected to disrupt RECQL4 protein function. ClinVar contains an entry for this variant (Variation ID: 1387495). This variant has not been reported in the literature in individuals affected with RECQL4-related conditions. This variant is present in population databases (no rsID available, gnomAD 0.01%). This sequence change replaces valine, which is neutral and non-polar, with phenylalanine, which is neutral and non-polar, at codon 434 of the RECQL4 protein (p.Val434Phe).

NM_004260.4(RECQL4):c.1300G>T (p.Val434Phe)

Gene: RECQL4 (RecQ like helicase 4; minus strand). Cytogenetic location: 8q24.3.
Variant type: single nucleotide variant.
Coding change: c.1300G>T on transcript NM_004260.4 (MANE Select); coding-DNA position 1300, G replaced by T.
Protein change: p.Val434Phe; replaces valine 434 with phenylalanine.
Molecular consequence: missense variant.
Genome position (GRCh38, 1-based): chr8:144,515,416, C>A on the plus strand (G>T on the coding strand, the complement: RECQL4 is on the minus strand). VCF-style: chr8-144515416-C-A. GRCh37 (hg19) VCF-style: chr8-145740800-C-A.
Other names: c.1300G>T (NM_004260.3); short protein forms V434F.
Identifiers: ClinVar variation 1387495 (VCV001387495.7), dbSNP rs761938967, ClinGen allele CA372685822.